The following is an entry in ClinVar:

ClinVar aggregate classification (germline): Uncertain significance (1 of 4 stars; one submission).

gnomAD v4.1: 4 of 1,613,682 alleles (0.00025%); highest among the groups gnomAD compares: Admixed American, 0.0067%; no homozygotes.

Submission:

Labcorp Genetics (formerly Invitae), Labcorp
Classification: Uncertain significance. Last evaluated: 2024-12-02. Review status: criteria provided, single submitter. Criteria: Invitae Variant Classification Sherloc (09022015). Collection method: clinical testing. Allele origin: germline.
Comment: This sequence change replaces proline, which is neutral and non-polar, with serine, which is neutral and polar, at codon 630 of the MAK protein (p.Pro630Ser). This variant is present in population databases (rs747349238, gnomAD 0.01%). This variant has not been reported in the literature in individuals affected with MAK-related conditions. Invitae Evidence Modeling of protein sequence and biophysical properties (such as structural, functional, and spatial information, amino acid conservation, physicochemical variation, residue mobility, and thermodynamic stability) indicates that this missense variant is not expected to disrupt MAK protein function with a negative predictive value of 95%. In summary, the available evidence is currently insufficient to determine the role of this variant in disease. Therefore, it has been classified as a Variant of Uncertain Significance.

NM_001242957.3(MAK):c.1888C>T (p.Pro630Ser)

Gene: MAK (male germ cell associated kinase; minus strand). Cytogenetic location: 6p24.2.
Variant type: single nucleotide variant.
Coding change: c.1888C>T on transcript NM_001242957.3 (MANE Select); coding-DNA position 1888, C replaced by T.
Protein change: p.Pro630Ser; replaces proline 630 with serine.
Molecular consequence: missense variant. On other transcripts: non-coding transcript variant (2).
Genome position (GRCh38, 1-based): chr6:10,764,511, G>A on the plus strand (C>T on the coding strand, the complement: MAK is on the minus strand). VCF-style: chr6-10764511-G-A. GRCh37 (hg19) VCF-style: chr6-10764744-G-A.
Other names: c.1591C>T, p.Pro531Ser (NM_001377262.1); c.1813C>T, p.Pro605Ser (NM_005906.6); c.1693C>T, p.Pro565Ser (NM_001242385.2); short protein forms P531S, P565S, P605S, P630S.
Identifiers: ClinVar variation 3606385 (VCV003606385.2).